The following is an entry in ClinVar:

NM_000186.4(CFH):c.1565A>G (p.Asp522Gly)

Gene: CFH (complement factor H; plus strand). Cytogenetic location: 1q31.3.
Variant type: single nucleotide variant.
Coding change: c.1565A>G on transcript NM_000186.4 (MANE Select); coding-DNA position 1565, A replaced by G.
Protein change: p.Asp522Gly; replaces aspartic acid 522 with glycine.
Molecular consequence: missense variant.
Genome position (GRCh38, 1-based): chr1:196,715,638, A>G. VCF-style: chr1-196715638-A-G. GRCh37 (hg19) VCF-style: chr1-196684768-A-G.
Other names: short protein forms D522G.
Identifiers: ClinVar variation 2910129 (VCV002910129.5), dbSNP rs1668852429, ClinGen allele CA343982860.

ClinVar aggregate classification (germline): Uncertain significance. Review status: criteria provided, multiple submitters, no conflicts (2 of 4 stars). 2 submissions from 2 submitters: Uncertain significance (2). Last evaluated 2026-09-17.

Conditions:
Atypical hemolytic-uremic syndrome. Identifiers: Orphanet 2134, MedGen C2931788, MONDO:0016244.
Factor H deficiency (CFHD). Also called: CFH DEFICIENCY; COMPLEMENT FACTOR H DEFICIENCY. Identifiers: Orphanet 200421, MedGen C0398777, MONDO:0012350, OMIM 609814.

Allele frequency attached by ClinVar (database versions not stated): gnomAD exomes 0.00001.
gnomAD v4.1: 9 of 1,612,818 alleles (0.00056%); highest among the groups gnomAD compares: Middle Eastern, 0.017%; no homozygotes.

Submissions (2):

Genomenon, Inc
Classification: Uncertain significance for Atypical hemolytic-uremic syndrome; Factor H deficiency. Last evaluated: 2026-09-17. Review status: criteria provided, single submitter. Criteria: Genomenon Sequence Variant Interpretation Standards - Updated. Collection method: curation. Allele origin: germline. Affected: yes.
Comment: CFH p.Asp522Gly (c.1565A>G) is a missense variant that changes the amino acid at codon 522 from aspartic acid to glycine. This variant has been observed in at least one proband affected with a CFH-related disorder (PMID: 29888403). Functional studies have been reported (PMID: 34189567). It is absent or not present at a significant frequency in gnomAD. In silico models predict that this variant is not damaging. In conclusion, we classify CFH p.Asp522Gly (c.1565A>G) as a variant of uncertain significance.

Labcorp Genetics (formerly Invitae), Labcorp
Classification: Uncertain significance. Last evaluated: 2023-02-14. Review status: criteria provided, single submitter. Criteria: Invitae Variant Classification Sherloc (09022015). Collection method: clinical testing. Allele origin: germline.
Comment: This sequence change replaces aspartic acid, which is acidic and polar, with glycine, which is neutral and non-polar, at codon 522 of the CFH protein (p.Asp522Gly). This variant is not present in population databases (gnomAD no frequency). This missense change has been observed in individual(s) with CFH-related conditions (PMID: 29888403). Algorithms developed to predict the effect of missense changes on protein structure and function output the following: SIFT: "Not Available"; PolyPhen-2: "Benign"; Align-GVGD: "Not Available". The glycine amino acid residue is found in multiple mammalian species, which suggests that this missense change does not adversely affect protein function. Experimental studies have shown that this missense change does not substantially affect CFH function (PMID: 34189567). In summary, the available evidence is currently insufficient to determine the role of this variant in disease. Therefore, it has been classified as a Variant of Uncertain Significance.

Literature cited by the submitters: PubMed 29888403 (cited by Genomenon, Inc and Labcorp Genetics (formerly Invitae), Labcorp); PubMed 34189567 (cited by Genomenon, Inc and Labcorp Genetics (formerly Invitae), Labcorp).